The following is an entry in ClinVar:

NM_006767.4(LZTR1):c.1490C>T (p.Pro497Leu)

Gene: LZTR1 (leucine zipper like post translational regulator 1; plus strand). Cytogenetic location: 22q11.21.
Variant type: single nucleotide variant.
Coding change: c.1490C>T on transcript NM_006767.4 (MANE Select); coding-DNA position 1490, C replaced by T.
Protein change: p.Pro497Leu; replaces proline 497 with leucine.
Molecular consequence: missense variant.
Genome position (GRCh38, 1-based): chr22:20,994,144, C>T. VCF-style: chr22-20994144-C-T. GRCh37 (hg19) VCF-style: chr22-21348433-C-T.
Other names: short protein forms P497L.
Identifiers: ClinVar variation 1773769 (VCV001773769.7), dbSNP rs780759354, ClinGen allele CA10118915.
Genomic context (GRCh38, chr22:20,994,144, plus strand): 5'-GAGCTCCCTTCTCCCCACAGAAGCTGGAGCAGGAGGCCGCCCCAGTTCCCAGGGAGGCCC[C>T]CGGCGTGGCTGCTGGTGGGGCCCGGCCGCCCCTGCTGCACGTGGCCATCCGGGAGGCCGA-3'
Protein context (NP_006758.2, residues 487-507): QEAAPVPREA[Pro497Leu]GVAAGGARPP

ClinVar aggregate classification (germline): Conflicting classifications of pathogenicity. Review status: criteria provided, conflicting classifications (1 of 4 stars). 3 submissions from 3 submitters: Uncertain significance (2); Likely benign (1). Last evaluated 2025-12-01.

Conditions:
Cardiovascular phenotype. Identifiers: MedGen CN230736.
Hereditary cancer-predisposing syndrome. Also called: Hereditary Cancer Syndrome; Hereditary neoplastic syndrome; Neoplastic Syndromes, Hereditary; Tumor predisposition. Identifiers: Orphanet 140162, MedGen C0027672, MeSH D009386, MONDO:0015356.

Allele frequency attached by ClinVar (database versions not stated): gnomAD exomes 0.00001; ExAC 0.00002.
gnomAD v4.1: 9 of 1,593,412 alleles (0.00056%); highest among the groups gnomAD compares: South Asian, 0.0078%; no homozygotes.

Submissions (3):

Women's Health and Genetics/Laboratory Corporation of America, LabCorp
Classification: Uncertain significance. Last evaluated: 2025-12-01. Review status: criteria provided, single submitter. Criteria: LabCorp Variant Classification Summary - May 2015. Collection method: clinical testing. Allele origin: germline.
Comment: Variant summary: LZTR1 c.1490C>T (p.Pro497Leu) results in a non-conservative amino acid change in the encoded protein sequence. Algorithms developed to predict the effect of missense changes on protein structure and function are either unavailable or do not agree on the potential impact of this missense change. The variant allele was found at a frequency of 4.7e-06 in 214452 control chromosomes. The available data on variant occurrences in the general population are insufficient to allow any conclusion about variant significance. To our knowledge, no occurrence of c.1490C>T in individuals affected with LZTR1-related conditions and no experimental evidence demonstrating its impact on protein function have been reported. ClinVar contains an entry for this variant (Variation ID: 1773769). Based on the evidence outlined above, the variant was classified as uncertain significance.

Labcorp Genetics (formerly Invitae), Labcorp
Classification: Uncertain significance. Last evaluated: 2025-11-18. Review status: criteria provided, single submitter. Criteria: Invitae Variant Classification Sherloc (09022015). Collection method: clinical testing. Allele origin: germline.
Comment: This sequence change replaces proline, which is neutral and non-polar, with leucine, which is neutral and non-polar, at codon 497 of the LZTR1 protein (p.Pro497Leu). The frequency data for this variant in the population databases is considered unreliable, as metrics indicate poor data quality at this position in the gnomAD database. This variant has not been reported in the literature in individuals affected with LZTR1-related conditions. ClinVar contains an entry for this variant (Variation ID: 1773769). Invitae Evidence Modeling of protein sequence and biophysical properties (such as structural, functional, and spatial information, amino acid conservation, physicochemical variation, residue mobility, and thermodynamic stability) indicates that this missense variant is not expected to disrupt LZTR1 protein function with a negative predictive value of 80%. In summary, the available evidence is currently insufficient to determine the role of this variant in disease. Therefore, it has been classified as a Variant of Uncertain Significance.

Ambry Genetics
Classification: Likely benign for Cardiovascular phenotype; Hereditary cancer-predisposing syndrome. Last evaluated: 2024-12-06. Review status: criteria provided, single submitter. Criteria: Ambry Variant Classification Scheme 2023. Collection method: clinical testing. Allele origin: germline.